The following is an entry in ClinVar:

NM_002439.5(MSH3):c.665A>T (p.Asn222Ile)

Gene: MSH3 (mutS homolog 3; plus strand). Cytogenetic location: 5q14.1.
Variant type: single nucleotide variant.
Coding change: c.665A>T on transcript NM_002439.5 (MANE Select); coding-DNA position 665, A replaced by T.
Protein change: p.Asn222Ile; replaces asparagine 222 with isoleucine.
Molecular consequence: missense variant.
Genome position (GRCh38, 1-based): chr5:80,670,182, A>T. VCF-style: chr5-80670182-A-T. GRCh37 (hg19) VCF-style: chr5-79966001-A-T.
Other names: short protein forms N222I.
Identifiers: ClinVar variation 2586073 (VCV002586073.2), dbSNP rs2546721119, ClinGen allele CA360266687.

ClinVar aggregate classification (germline): Uncertain significance (1 of 4 stars; one submission).

Conditions:
Hereditary cancer-predisposing syndrome. Also called: Hereditary neoplastic syndrome; Tumor predisposition; Hereditary Cancer Syndrome; Neoplastic Syndromes, Hereditary. Identifiers: Orphanet 140162, MedGen C0027672, MeSH D009386, MONDO:0015356.

Submission:

Ambry Genetics
Classification: Uncertain significance for Hereditary cancer-predisposing syndrome. Last evaluated: 2023-08-01. Review status: criteria provided, single submitter. Criteria: Ambry Variant Classification Scheme 2023. Collection method: clinical testing. Allele origin: germline.
Comment: The p.N222I variant (also known as c.665A>T), located in coding exon 4 of the MSH3 gene, results from an A to T substitution at nucleotide position 665. The asparagine at codon 222 is replaced by isoleucine, an amino acid with dissimilar properties. This amino acid position is conserved. In addition, the in silico prediction for this alteration is inconclusive. Since supporting evidence is limited at this time, the clinical significance of this alteration remains unclear.